The following is an entry in ClinVar:

NM_012254.3(SLC27A5):c.1469-10C>A

Genes: SLC27A5 (solute carrier family 27 member 5; minus strand), LOC130065230 (ATAC-STARR-seq lymphoblastoid active region 15206; plus strand). Cytogenetic location: 19q13.43.
Variant type: single nucleotide variant.
Coding change: c.1469-10C>A on transcript NM_012254.3 (MANE Select); 10 bases into the intron before coding-DNA position 1469, C replaced by A.
Molecular consequence: intron variant.
Genome position (GRCh38, 1-based): chr19:58,499,700, G>T on the plus strand (C>A on the coding strand, the complement: SLC27A5 is on the minus strand). VCF-style: chr19-58499700-G-T. GRCh37 (hg19) VCF-style: chr19-59011067-G-T.
Other names: c.1217-10C>A (NM_001321196.2).
Identifiers: ClinVar variation 3036748 (VCV003036748.2), dbSNP rs201372861, ClinGen allele CA310602475.

ClinVar aggregate classification (germline): Likely benign (0 of 4 stars; one submission).

Conditions:
SLC27A5-related disorder. Also called: SLC27A5-related condition.

Allele frequency attached by ClinVar (database versions not stated): ESP Exome Variant Server 0.00008.

Submission:

PreventionGenetics, part of Exact Sciences
Classification: Likely benign for SLC27A5-related condition. Last evaluated: 2023-06-07. Review status: no assertion criteria provided. Collection method: clinical testing. Allele origin: germline.
Comment: This variant is classified as likely benign based on ACMG/AMP sequence variant interpretation guidelines (Richards et al. 2015 PMID: 25741868, with internal and published modifications).